The following is an entry in ClinVar:

ClinVar aggregate classification (germline): Benign/Likely benign. Review status: criteria provided, multiple submitters, no conflicts (2 of 4 stars). 6 submissions from 6 submitters: Benign (2); Likely benign (4). Last evaluated 2026-01-28.

Conditions:
Hereditary cancer-predisposing syndrome. Also called: Hereditary Cancer Syndrome; Neoplastic Syndromes, Hereditary; Tumor predisposition; Hereditary neoplastic syndrome. Identifiers: Orphanet 140162, MedGen C0027672, MeSH D009386, MONDO:0015356.
Familial cancer of breast. Also called: Hereditary breast cancer; hereditary breast carcinoma; BREAST CANCER, FAMILIAL. Identifiers: Orphanet 227535, MedGen C0346153, MONDO:0016419, OMIM 114480. Disease mechanism: loss of function.
Ataxia-telangiectasia syndrome (AT). Also called: Ataxia telangiectasia (A-T); Ataxia-telangiectasia, complementation group E; LOUIS-BAR SYNDROME; Cerebello-oculocutaneous telangiectasia; Immunodeficiency with ataxia telangiectasia; Ataxia-telangiectasia, complementation group D. Identifiers: Orphanet 100, MedGen C0004135, MONDO:0008840, OMIM 208900.

Allele frequency attached by ClinVar (database versions not stated): gnomAD exomes below 0.00001.
gnomAD v4.1: 2 of 1,608,360 alleles (0.00012%); highest among the groups gnomAD compares: Non-Finnish European, 0.00017%; no homozygotes.

Submissions (6):

Labcorp Genetics (formerly Invitae), Labcorp
Classification: Likely benign for Ataxia-telangiectasia syndrome. Last evaluated: 2026-01-28. Review status: criteria provided, single submitter. Criteria: Invitae Variant Classification Sherloc (09022015). Collection method: clinical testing. Allele origin: germline.

Center for Genomic Medicine, Rigshospitalet, Copenhagen University Hospital
Classification: Likely benign. Last evaluated: 2025-12-29. Review status: criteria provided, single submitter. Criteria: ACMG Guidelines, 2015. Collection method: clinical testing. Allele origin: germline.

KCCC/NGS Laboratory, Kuwait Cancer Control Center
Classification: Benign for Familial cancer of breast. Last evaluated: 2025-02-01. Review status: criteria provided, single submitter. Criteria: ACMG Guidelines, 2015. Collection method: clinical testing. Allele origin: germline. Affected: no.

Myriad Genetics, Inc.
Classification: Benign for Familial cancer of breast. Last evaluated: 2024-04-24. Review status: criteria provided, single submitter. Criteria: Myriad Autosomal Dominant, Autosomal Recessive and X-Linked Classification Criteria (2023). Collection method: clinical testing. Allele origin: unknown.
Comment: This variant is considered benign. This variant is a silent/synonymous amino acid change and it is not expected to impact splicing.

Color Diagnostics, LLC DBA Color Health
Classification: Likely benign for Hereditary cancer-predisposing syndrome. Last evaluated: 2016-11-22. Review status: criteria provided, single submitter. Criteria: ACMG Guidelines, 2015. Collection method: clinical testing. Allele origin: germline.

Ambry Genetics
Classification: Likely benign for Hereditary cancer-predisposing syndrome. Last evaluated: 2015-05-07. Review status: criteria provided, single submitter. Criteria: Ambry Variant Classification Scheme 2023. Collection method: clinical testing. Allele origin: germline.

Literature cited by the submitters: PubMed 35716007 (cited by Center for Genomic Medicine, Rigshospitalet, Copenhagen University Hospital).

NM_000051.4(ATM):c.903T>G (p.Gly301=)

Gene: ATM (ATM serine/threonine kinase; plus strand). Cytogenetic location: 11q22.3.
Variant type: single nucleotide variant.
Coding change: c.903T>G on transcript NM_000051.4 (MANE Select); coding-DNA position 903, T replaced by G.
Protein change: p.Gly301=; no amino-acid change (glycine 301 retained).
Molecular consequence: synonymous variant.
Genome position (GRCh38, 1-based): chr11:108,246,965, T>G. VCF-style: chr11-108246965-T-G. GRCh37 (hg19) VCF-style: chr11-108117692-T-G.
Other names: c.903T>G, p.Gly301= (NM_001351834.2).
Identifiers: ClinVar variation 231747 (VCV000231747.21), dbSNP rs876659335, ClinGen allele CA10578982.